The following is an entry in ClinVar:

ClinVar aggregate classification (germline): Uncertain significance (1 of 4 stars; one submission).

Conditions:
Fanconi anemia (FA). Also called: Fanconi's anemia. Identifiers: Orphanet 84, MedGen C0015625, MeSH D005199, MONDO:0019391.

gnomAD v4.1: 5 of 1,610,722 alleles (0.00031%); highest among the groups gnomAD compares: Non-Finnish European, 0.00042%; no homozygotes.

Submission:

Labcorp Genetics (formerly Invitae), Labcorp
Classification: Uncertain significance for Fanconi anemia. Last evaluated: 2024-03-26. Review status: criteria provided, single submitter. Criteria: Invitae Variant Classification Sherloc (09022015). Collection method: clinical testing. Allele origin: germline.
Comment: This sequence change replaces proline, which is neutral and non-polar, with histidine, which is basic and polar, at codon 87 of the FANCD2 protein (p.Pro87His). This variant is not present in population databases (gnomAD no frequency). This variant has not been reported in the literature in individuals affected with FANCD2-related conditions. Advanced modeling of protein sequence and biophysical properties (such as structural, functional, and spatial information, amino acid conservation, physicochemical variation, residue mobility, and thermodynamic stability) performed at Invitae indicates that this missense variant is expected to disrupt FANCD2 protein function with a positive predictive value of 80%. In summary, the available evidence is currently insufficient to determine the role of this variant in disease. Therefore, it has been classified as a Variant of Uncertain Significance.

NM_001018115.3(FANCD2):c.260C>A (p.Pro87His)

Genes: FANCD2 (FA complementation group D2; plus strand), LOC107303338 (3p25 FANCD2 Alu-mediated recombination region; plus strand). Cytogenetic location: 3p25.3.
Variant type: single nucleotide variant.
Coding change: c.260C>A on transcript NM_001018115.3 (MANE Select); coding-DNA position 260, C replaced by A.
Protein change: p.Pro87His; replaces proline 87 with histidine.
Molecular consequence: missense variant.
Genome position (GRCh38, 1-based): chr3:10,034,523, C>A. VCF-style: chr3-10034523-C-A. GRCh37 (hg19) VCF-style: chr3-10076207-C-A.
Other names: c.260C>A, p.Pro87His (NM_001319984.2, NM_001374253.1, NM_001374254.1 and 2 more transcripts); short protein forms P87H.
Identifiers: ClinVar variation 3717664 (VCV003717664.2).
Genomic context (GRCh38, chr3:10,034,523, plus strand): 5'-GCATAGCTGTGGATCAAATAGCTTTCCAAAAGAAGCTCTTTCAGACCCTGAGGAGACACC[C>A]TTCCTATCCCAAAGTATGTATTTTTCCCCTGGTATTTTTGCTTGTGCCAGCATAACTCTA-3'
Protein context (NP_001018125.1, residues 77-97): KKLFQTLRRH[Pro87His]SYPKIIEEFV